The following is an entry in ClinVar:

NM_022436.3(ABCG5):c.2T>C (p.Met1Thr)

Gene: ABCG5 (ATP binding cassette subfamily G member 5; minus strand). Cytogenetic location: 2p21.
Variant type: single nucleotide variant.
Coding change: c.2T>C on transcript NM_022436.3 (MANE Select); coding-DNA position 2, T replaced by C.
Protein change: p.Met1Thr; changes the start codon (methionine 1).
Molecular consequence: missense variant, initiator codon variant.
Genome position (GRCh38, 1-based): chr2:43,838,678, A>G on the plus strand (T>C on the coding strand, the complement: ABCG5 is on the minus strand). VCF-style: chr2-43838678-A-G. GRCh37 (hg19) VCF-style: chr2-44065817-A-G.
Other names: short protein forms M1T.
Identifiers: ClinVar variation 1042102 (VCV001042102.6), dbSNP rs745785626, ClinGen allele CA1636826.

ClinVar aggregate classification (germline): Uncertain significance (1 of 4 stars; one submission).

Conditions:
Sitosterolemia (STSL). Also called: PHYTOSTEROLEMIA. Identifiers: Orphanet 2882, MedGen C0342907, MONDO:0008863.

Allele frequency attached by ClinVar (database versions not stated): ExAC 0.00001; gnomAD exomes 0.00001 and 0.00002; TOPMed 0.00002.

Submission:

Labcorp Genetics (formerly Invitae), Labcorp
Classification: Uncertain significance for Sitosterolemia. Last evaluated: 2021-09-01. Review status: criteria provided, single submitter. Criteria: Invitae Variant Classification Sherloc (09022015). Collection method: clinical testing. Allele origin: germline.
Comment: This sequence change affects the initiator methionine of the ABCG5 mRNA. The next in-frame methionine is located at codon 13. This variant is present in population databases (rs745785626, ExAC 0.002%). This variant has not been reported in the literature in individuals affected with ABCG5-related conditions. Experimental studies and prediction algorithms are not available or were not evaluated, and the functional significance of this variant is currently unknown. In summary, the available evidence is currently insufficient to determine the role of this variant in disease. Therefore, it has been classified as a Variant of Uncertain Significance.